The following is an entry in ClinVar:

NM_020975.6(RET):c.3256G>A (p.Gly1086Arg)

Gene: RET (ret proto-oncogene; plus strand). Cytogenetic location: 10q11.21.
Variant type: single nucleotide variant.
Coding change: c.3256G>A on transcript NM_020975.6 (MANE Select); coding-DNA position 3256, G replaced by A.
Protein change: p.Gly1086Arg; replaces glycine 1086 with arginine.
Molecular consequence: missense variant.
Genome position (GRCh38, 1-based): chr10:43,128,180, G>A. VCF-style: chr10-43128180-G-A. GRCh37 (hg19) VCF-style: chr10-43623628-G-A.
Other names: c.3256G>A (LRG_518t1); short protein forms G1086R.
Identifiers: ClinVar variation 568473 (VCV000568473.12), dbSNP rs778452896, ClinGen allele CA054923.

ClinVar aggregate classification (germline): Conflicting classifications of pathogenicity. Review status: criteria provided, conflicting classifications (1 of 4 stars). 4 submissions from 4 submitters: Uncertain significance (3); Likely benign (1). Last evaluated 2025-11-05.

Conditions:
Hereditary cancer-predisposing syndrome. Also called: Neoplastic Syndromes, Hereditary; Tumor predisposition; Hereditary neoplastic syndrome; Hereditary Cancer Syndrome. Identifiers: Orphanet 140162, MedGen C0027672, MeSH D009386, MONDO:0015356.
Multiple endocrine neoplasia, type 2 (MEN2). Identifiers: Orphanet 653, MedGen C4048306, MONDO:0019003. Disease mechanism: gain of function.

Allele frequency attached by ClinVar (database versions not stated): gnomAD exomes 0.00001; TOPMed 0.00001; ExAC 0.00002.
gnomAD v4.1: 10 of 1,614,156 alleles (0.00062%); highest among the groups gnomAD compares: Non-Finnish European, 0.00025%; no homozygotes.

Submissions (4):

Labcorp Genetics (formerly Invitae), Labcorp
Classification: Uncertain significance for Multiple endocrine neoplasia, type 2. Last evaluated: 2025-11-05. Review status: criteria provided, single submitter. Criteria: Invitae Variant Classification Sherloc (09022015). Collection method: clinical testing. Allele origin: germline.
Comment: This sequence change replaces glycine, which is neutral and non-polar, with arginine, which is basic and polar, at codon 1086 of the RET protein (p.Gly1086Arg). This variant is present in population databases (rs778452896, gnomAD 0.03%). This variant has not been reported in the literature in individuals affected with RET-related conditions. ClinVar contains an entry for this variant (Variation ID: 568473). An algorithm developed to predict the effect of missense changes on protein structure and function (PolyPhen-2) suggests that this variant is likely to be disruptive. Algorithms developed to predict the effect of sequence changes on RNA splicing suggest that this variant may disrupt the consensus splice site. In summary, the available evidence is currently insufficient to determine the role of this variant in disease. Therefore, it has been classified as a Variant of Uncertain Significance.

Color Diagnostics, LLC DBA Color Health
Classification: Uncertain significance for Multiple endocrine neoplasia, type 2. Last evaluated: 2025-06-18. Review status: criteria provided, single submitter. Criteria: ACMG Guidelines, 2015. Collection method: clinical testing. Allele origin: germline.
Comment: This missense variant replaces glycine with arginine at codon 1086 of the RET protein. Computational prediction suggests that this variant may not impact protein structure and function. To our knowledge, functional studies have not been reported for this variant. This variant has been reported in an individual affected with Cowden syndrome, Cowden-like syndrome or Bannayan-Riley-Ruvalcaba syndrome (PMID: 29684080). This variant has been identified in 3/251496 chromosomes in the general population by the Genome Aggregation Database (gnomAD). The available evidence is insufficient to determine the role of this variant in disease conclusively. Therefore, this variant is classified as a Variant of Uncertain Significance.

All of Us Research Program, National Institutes of Health
Classification: Uncertain significance for Multiple endocrine neoplasia, type 2. Last evaluated: 2023-12-01. Review status: criteria provided, single submitter. Criteria: ACMG Guidelines, 2015. Collection method: clinical testing. Allele origin: germline. Inheritance: Autosomal dominant inheritance. Observed: 2 variant alleles, 2 heterozygotes.
Comment: This study involves interpretation of variants in research participants for the purpose of population health screening. Participant phenotype was not available at the time of variant classification. Additional details can be found in publication PMID: 35346344, PMCID: PMC8962531

Ambry Genetics
Classification: Likely benign for Hereditary cancer-predisposing syndrome. Last evaluated: 2023-04-03. Review status: criteria provided, single submitter. Criteria: Ambry Variant Classification Scheme 2023. Collection method: clinical testing. Allele origin: germline.

Literature cited by the submitters: PubMed 29684080 (cited by Color Diagnostics, LLC DBA Color Health and Ambry Genetics).